The following is an entry in ClinVar:

NM_001032386.2(SUOX):c.363dup (p.Pro122fs)

Gene: SUOX (sulfite oxidase; plus strand). Cytogenetic location: 12q13.2.
Variant type: Duplication.
Coding change: c.363dup on transcript NM_001032386.2 (MANE Select); coding-DNA position 363, one base duplicated (G; older notation c.363dupG).
Protein change: p.Pro122fs; shifts the reading frame from proline 122.
Molecular consequence: frameshift variant.
Genome position (GRCh38, 1-based): chr12:56,003,752, G duplicated; the last of 6 consecutive G bases (chr12:56,003,747-56,003,752); duplicating any one gives the same sequence. VCF-style (leftmost placement, unchanged base first): chr12-56003746-A-AG. GRCh37 (hg19) VCF-style: chr12-56397530-A-AG.
Other names: c.363dup, p.Pro122fs (NM_000456.3, NM_001032387.2); c.363dupG (NM_000456.2); short protein forms P122fs.
Identifiers: ClinVar variation 529473 (VCV000529473.10), dbSNP rs1555198521, ClinGen allele CA480179743.
Genomic context (GRCh38, chr12:56,003,746, plus strand): 5'-GATCTGGGTGACTCTGGGCTCTGAGGTCTTTGATGTCACAGAATTTGTGGACCTACATCC[A>AG]GGGGGGCCTTCAAAGCTGATGCTAGCAGCTGGGGGTCCCCTAGAGCCCTTCTGGGCCCTC-3'

ClinVar aggregate classification (germline): Pathogenic (1 of 4 stars; one submission).

Conditions:
Sulfite oxidase deficiency. Also called: Isolated sulfite oxidase deficiency. Identifiers: Orphanet 833, Orphanet 99731, MedGen C0268624, MONDO:0010089, OMIM 272300, HP:0003643.

Submission:

Labcorp Genetics (formerly Invitae), Labcorp
Classification: Pathogenic for Sulfite oxidase deficiency. Last evaluated: 2025-11-27. Review status: criteria provided, single submitter. Criteria: Invitae Variant Classification Sherloc (09022015). Collection method: clinical testing. Allele origin: germline.
Comment: This sequence change creates a premature translational stop signal (p.Pro122Alafs*29) in the SUOX gene. While this is not anticipated to result in nonsense mediated decay, it is expected to disrupt the last 424 amino acid(s) of the SUOX protein. This variant is present in population databases (no rsID available, gnomAD 0.006%). This variant has not been reported in the literature in individuals affected with SUOX-related conditions. ClinVar contains an entry for this variant (Variation ID: 529473). This variant disrupts a region of the SUOX protein in which other variant(s) (p.Tyr400*) have been determined to be pathogenic (PMID: 12112661, 23994568, 24938149, 28629418). This suggests that this is a clinically significant region of the protein, and that variants that disrupt it are likely to be disease-causing. For these reasons, this variant has been classified as Pathogenic.

Literature cited by the submitters: PubMed 12112661; PubMed 23994568; PubMed 24938149; PubMed 28629418.